The following is an entry in ClinVar:

ClinVar aggregate classification (germline): Uncertain significance. Review status: criteria provided, multiple submitters, no conflicts (2 of 4 stars). 2 submissions from 2 submitters: Uncertain significance (2). Last evaluated 2019-03-05.

Conditions:
Familial thoracic aortic aneurysm and aortic dissection (TAAD). Also called: Thoracic aortic aneurysms and dissections. Identifiers: Orphanet 91387, MedGen C4707243, MONDO:0019625.
Ehlers-Danlos syndrome, classic type, 1 (EDSCL1). Also called: EHLERS-DANLOS SYNDROME, GRAVIS TYPE; EHLERS-DANLOS SYNDROME, SEVERE CLASSIC TYPE; EDS I; Ehlers-Danlos Syndrome, Classic Type, COL5A1-Related; Ehlers-Danlos syndrome, type 1. Identifiers: MedGen C0268335, MONDO:0019567, OMIM 130000.

Allele frequency attached by ClinVar (database versions not stated): gnomAD exomes 0.00001; TOPMed 0.00001; gnomAD 0.00002.
gnomAD v4.1: 9 of 1,610,586 alleles (0.00056%); highest among the groups gnomAD compares: Middle Eastern, 0.033%; no homozygotes.

Submissions (2):

Ambry Genetics
Classification: Uncertain significance for Familial thoracic aortic aneurysm and aortic dissection. Last evaluated: 2019-03-05. Review status: criteria provided, single submitter. Criteria: Ambry Variant Classification Scheme 2023. Collection method: clinical testing. Allele origin: germline.
Comment: The p.P1202L variant (also known as c.3605C>T), located in coding exon 46 of the COL5A1 gene, results from a C to T substitution at nucleotide position 3605. The proline at codon 1202 is replaced by leucine, an amino acid with similar properties. This amino acid position is highly conserved in available vertebrate species. In addition, the in silico prediction for this alteration is inconclusive. Since supporting evidence is limited at this time, the clinical significance of this alteration remains unclear.

Human Genome Sequencing Center Clinical Lab, Baylor College of Medicine
Classification: Uncertain significance for Ehlers-Danlos syndrome, classic type I. Review status: criteria provided, single submitter. Criteria: ACMG Guidelines, 2015. Collection method: clinical testing. Allele origin: germline.

NM_000093.5(COL5A1):c.3605C>T (p.Pro1202Leu)

Gene: COL5A1 (collagen type V alpha 1 chain; plus strand). Cytogenetic location: 9q34.3.
Variant type: single nucleotide variant.
Coding change: c.3605C>T on transcript NM_000093.5 (MANE Select); coding-DNA position 3605, C replaced by T.
Protein change: p.Pro1202Leu; replaces proline 1202 with leucine.
Molecular consequence: missense variant.
Genome position (GRCh38, 1-based): chr9:134,811,514, C>T. VCF-style: chr9-134811514-C-T. GRCh37 (hg19) VCF-style: chr9-137703360-C-T.
Other names: c.3605C>T, p.Pro1202Leu (NM_001278074.1); short protein forms P1202L.
Identifiers: ClinVar variation 979133 (VCV000979133.3), dbSNP rs1198718473, ClinGen allele CA375454093.